The following is an entry in ClinVar:

ClinVar aggregate classification (germline): Uncertain significance. Review status: criteria provided, multiple submitters, no conflicts (2 of 4 stars). 7 submissions from 7 submitters: Uncertain significance (6). 1 of the submissions does not count toward it. Last evaluated 2026-05-15.

Conditions:
CFTR-related disorder (CFTR-RD). Also called: CFTR-related condition; CFTR-related disorders. Identifiers: MedGen C5924204, MONDO:7770004.
Bronchiectasis with or without elevated sweat chloride 1 (BESC1). Also called: Cystic Fibrosis-Like Syndrome. Identifiers: Orphanet 60033, MedGen C2749757, MONDO:0008887, OMIM 211400.
Cystic fibrosis (CF). Also called: MUCOVISCIDOSIS. Identifiers: Orphanet 586, MedGen C0010674, MONDO:0009061, OMIM 219700. Disease mechanism: loss of function.
Hereditary pancreatitis (PCTT). Also called: Hereditary chronic pancreatitis; PRSS1-Related Hereditary Pancreatitis. Identifiers: Orphanet 676, MedGen C0238339, MONDO:0008185, OMIM 167800.
Congenital bilateral aplasia of vas deferens from CFTR mutation (CBAVD). Identifiers: Orphanet 48, MedGen C0403814, MONDO:0010178, OMIM 277180. Disease mechanism: loss of function.

Allele frequency attached by ClinVar (database versions not stated): gnomAD 0.00002; TOPMed 0.00005.
gnomAD v4.1: 53 of 1,597,484 alleles (0.0033%); highest among the groups gnomAD compares: East Asian, 0.036%; 1 homozygote.

Submissions (7):

Women's Health and Genetics/Laboratory Corporation of America, LabCorp
Classification: Uncertain significance. Last evaluated: 2026-05-15. Review status: criteria provided, single submitter. Criteria: LabCorp Variant Classification Summary - May 2015. Collection method: clinical testing. Allele origin: germline.
Comment: Variant summary: CFTR c.2279C>T (p.Thr760Met) results in a non-conservative amino acid change located in the CFTR regulator domain (IPR025837) of the encoded protein sequence. Algorithms developed to predict the effect of missense changes on protein structure and function are either unavailable or do not agree on the potential impact of this missense change. The variant allele was found at a frequency of 9.7e-05 in 236864 control chromosomes. This frequency is not significantly higher than estimated for disease-causing variants in CFTR, allowing no conclusion about variant significance. c.2279C>T has been observed in individuals affected with Cystic Fibrosis or in individuals undergoing screening for the condition, without strong evidence of causality (example: Bozdogan_2021, Ni_2022, Rawashdeh_2000, Al-Sadeq_2019). These reports do not provide unequivocal conclusions about association of the variant with disease. To our knowledge, no experimental evidence demonstrating an impact on protein function has been reported. The following publications have been ascertained in the context of this evaluation (PMID: 30419605, 33572515, 33374015, 35313924, 11219165). ClinVar contains an entry for this variant (Variation ID: 53467). Based on the evidence outlined above, the variant was classified as uncertain significance.

PreventionGenetics, part of Exact Sciences
Classification: Uncertain significance for CFTR-related condition. Last evaluated: 2025-05-29. Review status: criteria provided, single submitter. Criteria: ACMG Guidelines, 2015. Collection method: clinical testing. Allele origin: germline.
Comment: The CFTR c.2279C>T variant is predicted to result in the amino acid substitution p.Thr760Met. This variant has been reported in individuals with cystic fibrosis (Rawashdeh et al. 2000. PubMed ID: 11219165; Rudnik-Schöneborn et al. 2021. PubMed ID: 33374015). This variant has also been reported in a new born screening program and a population carrier screening (Bozdogan et al. 2021. PubMed ID: 33572515; Ni et al. 2022. PubMed ID: 35313924). This variant is reported in 0.10% of alleles in individuals of East Asian descent in gnomAD. At this time, the clinical significance of this variant is uncertain due to the absence of conclusive functional and genetic evidence.

Ambry Genetics
Classification: Uncertain significance for Cystic fibrosis. Last evaluated: 2025-04-01. Review status: criteria provided, single submitter. Criteria: Ambry Variant Classification Scheme 2023. Collection method: clinical testing. Allele origin: germline.
Comment: The p.T760M variant (also known as c.2279C>T), located in coding exon 14 of the CFTR gene, results from a C to T substitution at nucleotide position 2279. The threonine at codon 760 is replaced by methionine, an amino acid with similar properties. This variant was detected in a cohort of individuals diagnosed with cystic fibrosis in Jordan; however, specific genotype and phenotype information was not provided (Rawashdeh M et al. Ann Trop Paediatr, 2000 Dec;20:283-6). This amino acid position is not well conserved in available vertebrate species. In addition, the in silico prediction for this alteration is inconclusive. Based on the available evidence, the clinical significance of this variant remains unclear.

Quest Diagnostics Nichols Institute San Juan Capistrano
Classification: Uncertain significance. Last evaluated: 2024-12-10. Review status: criteria provided, single submitter. Criteria: Quest Diagnostics criteria. Collection method: clinical testing. Allele origin: unknown.
Comment: The CFTR c.2279C>T (p.Thr760Met) variant has been reported in the published literature in individuals affected with clinical manifestations associated with cystic fibrosis (PMIDs: 11219165 (2000), 33572515 (2021)). It has also been identified in cohorts of infertile individuals (PMIDs: 32357917 (2020), 33374015 (2020)). The frequency of this variant in the general population (Genome Aggregation Database) is uninformative in the assessment of its pathogenicity. Analysis of this variant using bioinformatics tools for the prediction of the effect of amino acid changes on protein structure and function yielded conflicting predictions that this variant is deleterious or benign. Based on the available information, we are unable to determine the clinical significance of this variant.

Labcorp Genetics (formerly Invitae), Labcorp
Classification: Uncertain significance for Cystic fibrosis. Last evaluated: 2022-07-20. Review status: criteria provided, single submitter. Criteria: Invitae Variant Classification Sherloc (09022015). Collection method: clinical testing. Allele origin: germline.
Comment: This sequence change replaces threonine, which is neutral and polar, with methionine, which is neutral and non-polar, at codon 760 of the CFTR protein (p.Thr760Met). This variant is present in population databases (rs397508359, gnomAD 0.1%). This variant has not been reported in the literature in individuals affected with CFTR-related conditions. ClinVar contains an entry for this variant (Variation ID: 53467). Algorithms developed to predict the effect of missense changes on protein structure and function output the following: SIFT: "Tolerated"; PolyPhen-2: "Benign"; Align-GVGD: "Class C0". The methionine amino acid residue is found in multiple mammalian species, which suggests that this missense change does not adversely affect protein function. In summary, the available evidence is currently insufficient to determine the role of this variant in disease. Therefore, it has been classified as a Variant of Uncertain Significance.

Juno Genomics, Hangzhou Juno Genomics, Inc
Classification: Uncertain significance for Bronchiectasis with or without elevated sweat chloride 1; Hereditary pancreatitis; Congenital bilateral aplasia of vas deferens from CFTR mutation; Cystic fibrosis. Review status: criteria provided, single submitter. Criteria: ACMG Guidelines, 2015. Collection method: clinical testing. Allele origin: germline.
Comment: Absent from controls (or at extremely low frequency if recessive) in Genome Aggregation Database.;For recessive disorders, detected in trans with a pathogenic variant.

Counsyl
Classification: Uncertain significance for Cystic fibrosis. Last evaluated: 2017-04-17. Review status: no assertion criteria provided. Collection method: clinical testing. Allele origin: unknown. Not counted in ClinVar's aggregate classification.

Literature cited by the submitters: PubMed 30419605 (cited by Women's Health and Genetics/Laboratory Corporation of America, LabCorp); PubMed 33572515 (cited by Women's Health and Genetics/Laboratory Corporation of America, LabCorp and Quest Diagnostics Nichols Institute San Juan Capistrano); PubMed 33374015 (cited by Women's Health and Genetics/Laboratory Corporation of America, LabCorp and Quest Diagnostics Nichols Institute San Juan Capistrano); PubMed 35313924 (cited by Women's Health and Genetics/Laboratory Corporation of America, LabCorp and Quest Diagnostics Nichols Institute San Juan Capistrano); PubMed 11219165 (cited by 4 submitters); PubMed 34426522 (cited by Quest Diagnostics Nichols Institute San Juan Capistrano); PubMed 38515211 (cited by Quest Diagnostics Nichols Institute San Juan Capistrano); PubMed 37313453 (cited by Quest Diagnostics Nichols Institute San Juan Capistrano); PubMed 32357917 (cited by Quest Diagnostics Nichols Institute San Juan Capistrano).

NM_000492.4(CFTR):c.2279C>T (p.Thr760Met)

Gene: CFTR (CF transmembrane conductance regulator; plus strand). Cytogenetic location: 7q31.2.
Variant type: single nucleotide variant.
Coding change: c.2279C>T on transcript NM_000492.4 (MANE Select); coding-DNA position 2279, C replaced by T.
Protein change: p.Thr760Met; replaces threonine 760 with methionine.
Molecular consequence: missense variant.
Genome position (GRCh38, 1-based): chr7:117,592,446, C>T. VCF-style: chr7-117592446-C-T. GRCh37 (hg19) VCF-style: chr7-117232500-C-T.
Other names: short protein forms T760M.
Identifiers: ClinVar variation 53467 (VCV000053467.14), dbSNP rs397508359, ClinGen allele CA326786.
Genomic context (GRCh38, chr7:117,592,446, plus strand): 5'-CAGATTCTGAGCAGGGAGAGGCGATACTGCCTCGCATCAGCGTGATCAGCACTGGCCCCA[C>T]GCTTCAGGCACGAAGGAGGCAGTCTGTCCTGAACCTGATGACACACTCAGTTAACCAAGG-3'
Protein context (NP_000483.3, residues 750-770): PRISVISTGP[Thr760Met]LQARRRQSVL